The following is an entry in ClinVar:

ClinVar aggregate classification (germline): Likely pathogenic. Review status: criteria provided, single submitter (1 of 4 stars). 2 submissions from 2 submitters: Likely pathogenic (1). 1 of the submissions does not count toward it. Last evaluated 2021-02-22.

Conditions:
Hereditary cancer-predisposing syndrome. Also called: Neoplastic Syndromes, Hereditary; Hereditary Cancer Syndrome; Hereditary neoplastic syndrome; Tumor predisposition. Identifiers: Orphanet 140162, MedGen C0027672, MeSH D009386, MONDO:0015356.
Fanconi anemia complementation group C (FANCC). Also called: Fanconi anemia, group C; FANCONI PANCYTOPENIA, TYPE 3; FACC; FANCC-Related Fanconi Anemia. Identifiers: Orphanet 84, MedGen C3468041, MONDO:0009213, OMIM 227645.

Submissions (2):

Ambry Genetics
Classification: Likely pathogenic for Hereditary cancer-predisposing syndrome. Last evaluated: 2021-02-22. Review status: criteria provided, single submitter. Criteria: Ambry Variant Classification Scheme 2023. Collection method: clinical testing. Allele origin: germline.
Comment: The c.1534-1G>T intronic variant results from a G to T substitution one nucleotide upstream from coding exon 14 of the FANCC gene. This alteration occurs at the 3' terminus of the FANCC gene, is not expected to trigger nonsense-mediated mRNA decay, and only impacts the last 8% of the protein. The exact functional effect of this alteration is unknown; however, the impacted region is critical for protein function (Ambry internal data). This nucleotide position is highly conserved in available vertebrate species. In silico splice site analysis predicts that this alteration will weaken the native splice acceptor site. Based on the majority of available evidence to date, this variant is likely to be pathogenic.

Counsyl
Classification: Likely pathogenic for Fanconi anemia complementation group C. Last evaluated: 2018-02-14. Review status: no assertion criteria provided. Collection method: clinical testing. Allele origin: unknown. Not counted in ClinVar's aggregate classification.

NM_000136.3(FANCC):c.1534-1G>T

Genes: AOPEP (aminopeptidase O (putative); plus strand), FANCC (FA complementation group C; minus strand). Cytogenetic location: 9q22.32.
Variant type: single nucleotide variant.
Coding change: c.1534-1G>T on transcript NM_000136.3 (MANE Select); the canonical splice acceptor site of the intron before coding-DNA position 1534, G replaced by T.
Molecular consequence: splice acceptor variant.
Genome position (GRCh38, 1-based): chr9:95,101,851, C>A on the plus strand (G>T on the coding strand, the complement: FANCC is on the minus strand). VCF-style: chr9-95101851-C-A. GRCh37 (hg19) VCF-style: chr9-97864133-C-A.
Other names: c.1534-1G>T (NM_001243743.2).
Identifiers: ClinVar variation 556701 (VCV000556701.4), dbSNP rs1364238660, ClinGen allele CA374104872.